The following is an entry in ClinVar:

ClinVar aggregate classification (germline): Uncertain significance (1 of 4 stars; one submission).

Conditions:
Oligodontia-cancer predisposition syndrome. Also called: TOOTH AGENESIS-COLORECTAL CANCER SYNDROME. Identifiers: Orphanet 300576, MedGen C1837750, MONDO:0012075, OMIM 608615. Disease mechanism: loss of function.

Submission:

Labcorp Genetics (formerly Invitae), Labcorp
Classification: Uncertain significance for Oligodontia-cancer predisposition syndrome. Last evaluated: 2020-10-19. Review status: criteria provided, single submitter. Criteria: Invitae Variant Classification Sherloc (09022015). Collection method: clinical testing. Allele origin: germline.
Comment: This sequence change replaces aspartic acid with alanine at codon 12 of the AXIN2 protein (p.Asp12Ala). The aspartic acid residue is moderately conserved and there is a moderate physicochemical difference between aspartic acid and alanine. This variant is not present in population databases (ExAC no frequency). This variant has not been reported in the literature in individuals with AXIN2-related conditions. Algorithms developed to predict the effect of missense changes on protein structure and function are either unavailable or do not agree on the potential impact of this missense change (SIFT: "Tolerated"; PolyPhen-2: "Probably Damaging"; Align-GVGD: "Class C0"). In summary, the available evidence is currently insufficient to determine the role of this variant in disease. Therefore, it has been classified as a Variant of Uncertain Significance.

NM_004655.4(AXIN2):c.35A>C (p.Asp12Ala)

Gene: AXIN2 (axin 2; minus strand). Cytogenetic location: 17q24.1.
Variant type: single nucleotide variant.
Coding change: c.35A>C on transcript NM_004655.4 (MANE Select); coding-DNA position 35, A replaced by C.
Protein change: p.Asp12Ala; replaces aspartic acid 12 with alanine.
Molecular consequence: missense variant.
Genome position (GRCh38, 1-based): chr17:65,558,586, T>G on the plus strand (A>C on the coding strand, the complement: AXIN2 is on the minus strand). VCF-style: chr17-65558586-T-G. GRCh37 (hg19) VCF-style: chr17-63554704-T-G.
Other names: c.35A>C, p.Asp12Ala (NM_001363813.1); short protein forms D12A.
Identifiers: ClinVar variation 1063704 (VCV001063704.9), dbSNP rs2144592091, ClinGen allele CA400682426.